The following is an entry in ClinVar:

ClinVar aggregate classification (germline): Conflicting classifications of pathogenicity. Review status: criteria provided, conflicting classifications (1 of 4 stars). 2 submissions from 2 submitters: Uncertain significance (1); Benign (1). Last evaluated 2025-10-23.

Conditions:
Hereditary cancer-predisposing syndrome. Also called: Hereditary Cancer Syndrome; Neoplastic Syndromes, Hereditary; Hereditary neoplastic syndrome; Tumor predisposition. Identifiers: Orphanet 140162, MedGen C0027672, MeSH D009386, MONDO:0015356.
Gorlin syndrome. Also called: Nevoid Basal Cell Carcinoma Syndrome; Basal cell nevus syndrome. Identifiers: Orphanet 377, MedGen C0004779, MONDO:0007187.

Allele frequency attached by ClinVar (database versions not stated): ExAC 0.00001; gnomAD exomes 0.00001; gnomAD 0.00003 and 0.00004; TOPMed 0.00004.
gnomAD v4.1: 11 of 1,614,114 alleles (0.00068%); highest among the groups gnomAD compares: African/African-American, 0.012%; no homozygotes.

Submissions (2):

Labcorp Genetics (formerly Invitae), Labcorp
Classification: Benign for Gorlin syndrome. Last evaluated: 2025-10-23. Review status: criteria provided, single submitter. Criteria: Invitae Variant Classification Sherloc (09022015). Collection method: clinical testing. Allele origin: germline.

Ambry Genetics
Classification: Uncertain significance for Hereditary cancer-predisposing syndrome. Last evaluated: 2025-05-22. Review status: criteria provided, single submitter. Criteria: Ambry Variant Classification Scheme 2023. Collection method: clinical testing. Allele origin: germline.
Comment: The p.H408R variant (also known as c.1223A>G), located in coding exon 9 of the PTCH1 gene, results from an A to G substitution at nucleotide position 1223. The histidine at codon 408 is replaced by arginine, an amino acid with highly similar properties. This amino acid position is not well conserved in available vertebrate species. In addition, the in silico prediction for this alteration is inconclusive. Since supporting evidence is limited at this time, the clinical significance of this alteration remains unclear.

NM_000264.5(PTCH1):c.1223A>G (p.His408Arg)

Gene: PTCH1 (patched 1; minus strand). Cytogenetic location: 9q22.32.
Variant type: single nucleotide variant.
Coding change: c.1223A>G on transcript NM_000264.5 (MANE Select); coding-DNA position 1223, A replaced by G.
Protein change: p.His408Arg; replaces histidine 408 with arginine.
Molecular consequence: missense variant. On other transcripts: non-coding transcript variant (1).
Genome position (GRCh38, 1-based): chr9:95,478,179, T>C on the plus strand (A>G on the coding strand, the complement: PTCH1 is on the minus strand). VCF-style: chr9-95478179-T-C. GRCh37 (hg19) VCF-style: chr9-98240461-T-C.
Other names: c.1025A>G, p.His342Arg (NM_001083602.3); c.1220A>G, p.His407Arg (NM_001083603.3); c.770A>G, p.His257Arg (NM_001083604.3, NM_001083605.3, NM_001083606.3 and 1 more transcripts); c.1223A>G, p.His408Arg (NM_001354918.2); short protein forms H342R, H407R, H257R, H408R.
Identifiers: ClinVar variation 818634 (VCV000818634.13), dbSNP rs763941524, ClinGen allele CA5138717.